The following is an entry in ClinVar:

ClinVar aggregate classification (germline): Benign (0 of 4 stars; one submission).

Conditions:
TRAPPC2L-related disorder. Also called: TRAPPC2L-related condition.

Allele frequency attached by ClinVar (database versions not stated): gnomAD 0.00052; ExAC 0.00059; TOPMed 0.00070.
gnomAD v4.1: 872 of 1,613,932 alleles (0.054%); highest among the groups gnomAD compares: Admixed American, 0.055%; 7 homozygotes.

Submission:

PreventionGenetics, part of Exact Sciences
Classification: Benign for TRAPPC2L-related condition. Last evaluated: 2019-07-10. Review status: no assertion criteria provided. Collection method: clinical testing. Allele origin: germline.
Comment: This variant is classified as benign based on ACMG/AMP sequence variant interpretation guidelines (Richards et al. 2015 PMID: 25741868, with internal and published modifications).

NM_001318525.2(TRAPPC2L):c.217G>A (p.Val73Ile)

Gene: TRAPPC2L (trafficking protein particle complex subunit 2L; plus strand). Cytogenetic location: 16q24.3.
Variant type: single nucleotide variant.
Coding change: c.217G>A on transcript NM_001318525.2 (MANE Select); coding-DNA position 217, G replaced by A.
Protein change: p.Val73Ile; replaces valine 73 with isoleucine.
Molecular consequence: missense variant. On other transcripts: non-coding transcript variant (2).
Genome position (GRCh38, 1-based): chr16:88,859,673, G>A. VCF-style: chr16-88859673-G-A. GRCh37 (hg19) VCF-style: chr16-88926081-G-A.
Other names: c.217G>A, p.Val73Ile (NM_001318524.2, NM_016209.5); c.187G>A, p.Val63Ile (NM_001318526.2); c.124G>A, p.Val42Ile (NM_001318527.2, NM_001318529.2, NM_001318532.2); c.127G>A, p.Val43Ile (NM_001318528.2, NM_001318530.2); short protein forms V42I, V43I, V63I, V73I.
Identifiers: ClinVar variation 3050069 (VCV003050069.2), dbSNP rs139655373, ClinGen allele CA8235628.